The following is an entry in ClinVar:

ClinVar aggregate classification (germline): Uncertain significance. Review status: criteria provided, multiple submitters, no conflicts (2 of 4 stars). 3 submissions from 3 submitters: Uncertain significance (3). Last evaluated 2024-10-04.

Conditions:
Dilated cardiomyopathy 1KK (CMD1KK). Identifiers: Orphanet 154, Orphanet 75249, MedGen C3714995, MONDO:0014100, OMIM 615248.
Cardiovascular phenotype. Identifiers: MedGen CN230736.

Allele frequency attached by ClinVar (database versions not stated): gnomAD exomes below 0.00001; TOPMed 0.00001.
gnomAD v4.1: 1 of 1,613,536 alleles (0.000062%); highest among the groups gnomAD compares: South Asian, 0.0011%; no homozygotes.

Submissions (3):

Ambry Genetics
Classification: Uncertain significance for Cardiovascular phenotype. Last evaluated: 2024-10-04. Review status: criteria provided, single submitter. Criteria: Ambry Variant Classification Scheme 2023. Collection method: clinical testing. Allele origin: germline.
Comment: The p.P435L variant (also known as c.1304C>T), located in coding exon 5 of the MYPN gene, results from a C to T substitution at nucleotide position 1304. The proline at codon 435 is replaced by leucine, an amino acid with similar properties. This amino acid position is highly conserved in available vertebrate species. In addition, this alteration is predicted to be deleterious by in silico analysis. Since supporting evidence is limited at this time, the clinical significance of this alteration remains unclear.

AiLife Diagnostics
Classification: Uncertain significance. Last evaluated: 2022-02-21. Review status: criteria provided, single submitter. Criteria: ACMG Guidelines, 2015. Collection method: clinical testing. Allele origin: germline. Affected: yes. Observed: 2 variant alleles.

Labcorp Genetics (formerly Invitae), Labcorp
Classification: Uncertain significance for Dilated cardiomyopathy 1KK. Last evaluated: 2021-08-26. Review status: criteria provided, single submitter. Criteria: Invitae Variant Classification Sherloc (09022015). Collection method: clinical testing. Allele origin: germline.
Comment: This sequence change replaces proline with leucine at codon 435 of the MYPN protein (p.Pro435Leu). The proline residue is highly conserved and there is a moderate physicochemical difference between proline and leucine. This variant is not present in population databases (ExAC no frequency). This variant has not been reported in the literature in individuals affected with MYPN-related conditions. Algorithms developed to predict the effect of missense changes on protein structure and function (SIFT, PolyPhen-2, Align-GVGD) all suggest that this variant is likely to be disruptive. In summary, the available evidence is currently insufficient to determine the role of this variant in disease. Therefore, it has been classified as a Variant of Uncertain Significance.

NM_032578.4(MYPN):c.1304C>T (p.Pro435Leu)

Gene: MYPN (myopalladin; plus strand). Cytogenetic location: 10q21.3.
Variant type: single nucleotide variant.
Coding change: c.1304C>T on transcript NM_032578.4 (MANE Select); coding-DNA position 1304, C replaced by T.
Protein change: p.Pro435Leu; replaces proline 435 with leucine.
Molecular consequence: missense variant. On other transcripts: non-coding transcript variant (2).
Genome position (GRCh38, 1-based): chr10:68,150,098, C>T. VCF-style: chr10-68150098-C-T. GRCh37 (hg19) VCF-style: chr10-69909855-C-T.
Other names: c.1304C>T, p.Pro435Leu (NM_001256267.2); c.422C>T, p.Pro141Leu (NM_001256268.2); short protein forms P435L, P141L.
Identifiers: ClinVar variation 1431373 (VCV001431373.9), dbSNP rs1416910479, ClinGen allele CA376833580.